The following is an entry in ClinVar:

NM_001035.3(RYR2):c.11403-5T>C

Gene: RYR2 (ryanodine receptor 2; plus strand). Cytogenetic location: 1q43.
Variant type: single nucleotide variant.
Coding change: c.11403-5T>C on transcript NM_001035.3 (MANE Select); 5 bases into the intron before coding-DNA position 11403, T replaced by C.
Molecular consequence: intron variant.
Genome position (GRCh38, 1-based): chr1:237,760,950, T>C. VCF-style: chr1-237760950-T-C. GRCh37 (hg19) VCF-style: chr1-237924250-T-C.
Other names: c.11403-5T>C (NM_001035.2).
Identifiers: ClinVar variation 3894440 (VCV003894440.2).
Genomic context (GRCh38, chr1:237,760,950, plus strand): 5'-CTCTCCTGAGCAAAGAAAATGTTCTATTAGTCCTCTAAATGTTTTTTTTTCCCTTGTTAT[T>C]ATAGTGTCCTTGACCTAAATGCATTTGAGCGACAAAACAAAGCTGAAGGTCTTGGGATGG-3'

ClinVar aggregate classification (germline): Conflicting classifications of pathogenicity. Review status: criteria provided, conflicting classifications (1 of 4 stars). 2 submissions from 2 submitters: Uncertain significance (1); Likely benign (1). Last evaluated 2026-07-06.

Conditions:
Cardiomyopathy (CMYO). Also called: Cardiomyopathies. Identifiers: Orphanet 167848, MedGen C0878544, MONDO:0004994, HP:0001638. Inheritance: Various modes of inheritance.
Cardiovascular phenotype. Identifiers: MedGen CN230736.

Submissions (2):

Ambry Genetics
Classification: Uncertain significance for Cardiovascular phenotype. Last evaluated: 2026-07-06. Review status: criteria provided, single submitter. Criteria: Ambry Variant Classification Scheme 2023. Collection method: clinical testing. Allele origin: germline.
Comment: The c.11403-5T>C intronic variant results from a T to C substitution 5 nucleotides upstream from coding exon 84 in the RYR2 gene. This nucleotide position is well conserved in available vertebrate species. In silico splice site analysis predicts that this alteration will not have any significant effect on splicing. Based on the available evidence, the clinical significance of this variant remains unclear.

Color Diagnostics, LLC DBA Color Health
Classification: Likely benign for Cardiomyopathy. Last evaluated: 2024-03-04. Review status: criteria provided, single submitter. Criteria: ACMG Guidelines, 2015. Collection method: clinical testing. Allele origin: germline.